The following is an entry in ClinVar:

ClinVar aggregate classification (germline): Likely pathogenic (1 of 4 stars; one submission).

Submission:

Labcorp Genetics (formerly Invitae), Labcorp
Classification: Likely pathogenic. Last evaluated: 2021-08-13. Review status: criteria provided, single submitter. Criteria: Invitae Variant Classification Sherloc (09022015). Collection method: clinical testing. Allele origin: germline.
Comment: In summary, the currently available evidence indicates that the variant is pathogenic, but additional data are needed to prove that conclusively. Therefore, this variant has been classified as Likely Pathogenic. This variant disrupts the p.Phe305 amino acid residue in FH. Other variant(s) that disrupt this residue have been determined to be pathogenic (PMID: 32463173; Invitae). This suggests that this residue is clinically significant, and that variants that disrupt this residue are likely to be disease-causing. Advanced modeling of protein sequence and biophysical properties (such as structural, functional, and spatial information, amino acid conservation, physicochemical variation, residue mobility, and thermodynamic stability) performed at Invitae indicates that this missense variant is expected to disrupt FH protein function. This variant has not been reported in the literature in individuals affected with FH-related conditions. This variant is not present in population databases (ExAC no frequency). This sequence change replaces phenylalanine with leucine at codon 305 of the FH protein (p.Phe305Leu). The phenylalanine residue is highly conserved and there is a small physicochemical difference between phenylalanine and leucine.

Literature cited by the submitters: PubMed 32463173.

NM_000143.4(FH):c.915T>G (p.Phe305Leu)

Gene: FH (fumarate hydratase; minus strand). Cytogenetic location: 1q43.
Variant type: single nucleotide variant.
Coding change: c.915T>G on transcript NM_000143.4 (MANE Select); coding-DNA position 915, T replaced by G.
Protein change: p.Phe305Leu; replaces phenylalanine 305 with leucine.
Molecular consequence: missense variant.
Genome position (GRCh38, 1-based): chr1:241,504,235, A>C on the plus strand (T>G on the coding strand, the complement: FH is on the minus strand). VCF-style: chr1-241504235-A-C. GRCh37 (hg19) VCF-style: chr1-241667535-A-C.
Other names: short protein forms F305L.
Identifiers: ClinVar variation 1512642 (VCV001512642.6), dbSNP rs2147916371, ClinGen allele CA345438416.
Genomic context (GRCh38, chr1:241,504,235, plus strand): 5'-ACTGAGCTCAACCAGAGCGTCATGAGCAGCCAGAGCTTCAAATTTATTCGGAGCAGTGAC[A>C]AAAGGCAAGCCTAAAGAAAAGAAAAATATCCTAGATGGGTGAACAAGTTAAACTAAACAT-3'
Protein context (NP_000134.2, residues 295-315): AKVAALTGLP[Phe305Leu]VTAPNKFEAL